The following is an entry in ClinVar:

NC_000004.11:g.(?_52899587)_(52899816_?)dup

Gene: SGCB (sarcoglycan beta; minus strand). Cytogenetic location: 4q12.
Variant type: Duplication.
Identifiers: ClinVar variation 1062387 (VCV001062387.2).

ClinVar aggregate classification (germline): Uncertain significance (1 of 4 stars; one submission).

Conditions:
Autosomal recessive limb-girdle muscular dystrophy type 2E (LGMDR4). Also called: MUSCULAR DYSTROPHY, LIMB-GIRDLE, AUTOSOMAL RECESSIVE 4. Identifiers: Orphanet 119, MedGen C1858593, MONDO:0011423, OMIM 604286. Disease mechanism: Affects gamma-sarcoglycan and also disrupts the integrity of the entire sarcoglycan complex..

Submission:

Labcorp Genetics (formerly Invitae), Labcorp
Classification: Uncertain significance for Autosomal recessive limb-girdle muscular dystrophy type 2E. Last evaluated: 2020-04-21. Review status: criteria provided, single submitter. Criteria: Invitae Variant Classification Sherloc (09022015). Collection method: clinical testing. Allele origin: germline.
Comment: This variant is a gross duplication of the genomic region encompassing exon 2 of the SGCB gene. While the exact position of the duplicated exon cannot be determined from this data, sub-genic duplications are generally in tandem (PMID: 25640679). This duplication would be expected to be in-frame, preserving the integrity of the reading frame. This variant has not been reported in the literature in individuals with SGCB-related disease. In summary, the available evidence is currently insufficient to determine the role of this variant in disease. Therefore, it has been classified as a Variant of Uncertain Significance.

Literature cited by the submitters: PubMed 25640679.